The following is an entry in ClinVar:

NM_002049.4(GATA1):c.1200_1217del (p.Pro401_Thr406del)

Gene: GATA1 (GATA binding protein 1; plus strand). Cytogenetic location: Xp11.23.
Variant type: Deletion.
Coding change: c.1200_1217del on transcript NM_002049.4 (MANE Select); coding-DNA positions 1200 to 1217, 18 bases deleted (CCCCACCACCAGCACTAC).
Protein change: p.Pro401_Thr406del.
Molecular consequence: inframe deletion.
Genome position (GRCh38, 1-based): chrX:48,794,122-48,794,139, CCCCACCACCAGCACTAC deleted; deleting any 18 consecutive bases within chrX:48,794,121-48,794,139 gives the same sequence; the c. name uses the placement nearest the transcript's 3' end. VCF-style (leftmost placement, unchanged base first): chrX-48794120-CCCCCCACCACCAGCACTA-C. GRCh37 (hg19) VCF-style: chrX-48652527-CCCCCCACCACCAGCACTA-C.
Identifiers: ClinVar variation 2948512 (VCV002948512.3), dbSNP rs2519346996, ClinGen allele CA2740092149.

ClinVar aggregate classification (germline): Uncertain significance (1 of 4 stars; one submission).

Conditions:
Diamond-Blackfan anemia. Also called: Blackfan Diamond syndrome; Aregenerative anemia chronic congenital; Red cell aplasia, pure hereditary; Congenital hypoplastic anemia; Aase syndrome. Identifiers: Orphanet 124, MedGen C1260899, MeSH D029503, MONDO:0015253, HP:0004810.
GATA binding protein 1 related thrombocytopenia with dyserythropoiesis. Also called: GATA1-Related Cytopenia; GATA1-Related X-Linked Cytopenia. Identifiers: MedGen C1845837, MONDO:0100089.

Submission:

Labcorp Genetics (formerly Invitae), Labcorp
Classification: Uncertain significance for GATA binding protein 1 related thrombocytopenia with dyserythropoiesis; Diamond-Blackfan anemia. Last evaluated: 2023-06-03. Review status: criteria provided, single submitter. Criteria: Invitae Variant Classification Sherloc (09022015). Collection method: clinical testing. Allele origin: germline.
Comment: This variant has not been reported in the literature in individuals affected with GATA1-related conditions. In summary, the available evidence is currently insufficient to determine the role of this variant in disease. Therefore, it has been classified as a Variant of Uncertain Significance. Experimental studies and prediction algorithms are not available or were not evaluated, and the functional significance of this variant is currently unknown. This variant is not present in population databases (gnomAD no frequency). This variant, c.1200_1217del, results in the deletion of 6 amino acid(s) of the GATA1 protein (p.Pro401_Thr406del), but otherwise preserves the integrity of the reading frame.